The following is an entry in ClinVar:

NM_003107.3(SOX4):c.1293C>T (p.Asp431=)

Gene: SOX4 (SRY-box transcription factor 4; plus strand). Cytogenetic location: 6p22.3.
Variant type: single nucleotide variant.
Coding change: c.1293C>T on transcript NM_003107.3 (MANE Select); coding-DNA position 1293, C replaced by T.
Protein change: p.Asp431=; no amino-acid change (aspartic acid 431 retained).
Molecular consequence: synonymous variant.
Genome position (GRCh38, 1-based): chr6:21,595,827, C>T. VCF-style: chr6-21595827-C-T. GRCh37 (hg19) VCF-style: chr6-21596058-C-T.
Identifiers: ClinVar variation 3025935 (VCV003025935.22), dbSNP rs970928130, ClinGen allele CA135864947.

ClinVar aggregate classification (germline): Likely benign (1 of 4 stars; one submission).

Allele frequency attached by ClinVar (database versions not stated): TOPMed 0.00001; gnomAD 0.00002.

Submission:

CeGaT Center for Human Genetics Tuebingen
Classification: Likely benign. Last evaluated: 2023-12-01. Review status: criteria provided, single submitter. Criteria: CeGaT Center For Human Genetics Tuebingen Variant Classification Criteria Version 2. Collection method: clinical testing. Allele origin: germline. Affected: yes. Observed: 1 variant allele.
Comment: SOX4: BP4, BS2